The following is an entry in ClinVar:

ClinVar aggregate classification (germline): Likely pathogenic (1 of 4 stars; one submission).

Conditions:
Hereditary cancer-predisposing syndrome. Also called: Tumor predisposition; Neoplastic Syndromes, Hereditary; Hereditary Cancer Syndrome; Hereditary neoplastic syndrome. Identifiers: Orphanet 140162, MedGen C0027672, MeSH D009386, MONDO:0015356.

Submission:

Ambry Genetics
Classification: Likely pathogenic for Hereditary cancer-predisposing syndrome. Last evaluated: 2024-11-08. Review status: criteria provided, single submitter. Criteria: Ambry Variant Classification Scheme 2023. Collection method: clinical testing. Allele origin: germline.
Comment: The c.1461+2T>A intronic variant results from a T to A substitution two nucleotides after coding exon 12 in the CHEK2 gene. This variant is considered to be rare based on population cohorts in the Genome Aggregation Database (gnomAD). This nucleotide position is highly conserved in available vertebrate species. In silico splice site analysis predicts that this alteration will weaken the native splice donor site. Alterations that disrupt the canonical splice site are expected to cause aberrant splicing, resulting in an abnormal protein or a transcript that is subject to nonsense-mediated mRNA decay. As such, this alteration is classified as likely pathogenic.

NM_007194.4(CHEK2):c.1461+2T>A

Gene: CHEK2 (checkpoint kinase 2; minus strand). Cytogenetic location: 22q12.1.
Variant type: single nucleotide variant.
Coding change: c.1461+2T>A on transcript NM_007194.4 (MANE Select); the canonical splice donor site of the intron after coding-DNA position 1461, T replaced by A.
Molecular consequence: splice donor variant.
Genome position (GRCh38, 1-based): chr22:28,694,030, A>T on the plus strand (T>A on the coding strand, the complement: CHEK2 is on the minus strand). VCF-style: chr22-28694030-A-T. GRCh37 (hg19) VCF-style: chr22-29090018-A-T.
Other names: c.798+2T>A (NM_001437942.1, NM_001257387.3); c.1260+2T>A (NM_001349956.3); c.1374+2T>A (NM_145862.3); c.1467+2T>A (NM_001438295.1); c.1554+2T>A (NM_001438293.1); c.1503+2T>A (NM_001438294.1); c.1590+2T>A (NM_001005735.3).
Identifiers: ClinVar variation 3492199 (VCV003492199.1).
Genomic context (GRCh38, chr22:28,694,030, plus strand): 5'-TGTCTCTCAGGCAGCAGGGCTTCCCATGTATTTTATGCTAGCAGGCACTGTCCCACACCC[A>T]CCTGAAGCCACGGGTGTCTTAAGGCTTCTTCTGTCGTAAAACGTGCCTTTGGATCCACTA-3'